The following is an entry in ClinVar:

ClinVar aggregate classification (germline): Pathogenic/Likely pathogenic. Review status: criteria provided, multiple submitters, no conflicts (2 of 4 stars). 4 submissions from 4 submitters: Pathogenic (2); Likely pathogenic (2). Last evaluated 2025-11-11.

Conditions:
Warsaw breakage syndrome (WABS). Also called: DDX11-Related Cohesinopathy. Identifiers: Orphanet 280558, MedGen C3150658, MONDO:0013252, OMIM 613398.
DDX11-related disorders.

gnomAD v4.1: 31 of 1,614,030 alleles (0.0019%); highest among the groups gnomAD compares: Non-Finnish European, 0.0025%; no homozygotes.

Submissions (4):

Victorian Clinical Genetics Services, Murdoch Childrens Research Institute
Classification: Pathogenic for Warsaw breakage syndrome. Last evaluated: 2025-11-11. Review status: criteria provided, single submitter. Criteria: ACMG Guidelines, 2015. Collection method: clinical testing. Allele origin: germline. Affected: yes.
Comment: This variant is classified as Pathogenic. Evidence in support of pathogenic classification: Variant is predicted to cause nonsense-mediated decay (NMD) and loss of protein (premature termination codon is located at least 54 nucleotides upstream of the final exon-exon junction); Variant is present in gnomAD <0.01 for a recessive condition (v4: 31 heterozygote(s), 0 homozygote(s)); This variant has limited previous evidence of pathogenicity in an unrelated individual(s). This variant has been classified as likely pathogenic by a clinical laboratory in ClinVar; Other NMD-predicted variant(s) comparable to the one identified in this case have very strong previous evidence for pathogenicity (DECIPHER). Additional information: This variant is heterozygous; This gene is associated with autosomal recessive disease; Loss of function is a known mechanism of disease in this gene and is associated with Warsaw breakage syndrome (MIM#613398); Inheritance information for this variant is not currently available in this individual.

Women's Health and Genetics/Laboratory Corporation of America, LabCorp
Classification: Pathogenic for Warsaw breakage syndrome. Last evaluated: 2025-09-16. Review status: criteria provided, single submitter. Criteria: LabCorp Variant Classification Summary - May 2015. Collection method: clinical testing. Allele origin: germline.
Comment: Variant summary: DDX11 c.1591C>T (p.Gln531X) results in a premature termination codon, predicted to cause a truncation of the encoded protein or absence of the protein due to nonsense mediated decay, which are commonly known mechanisms for disease. The variant was absent in 251118 control chromosomes. To our knowledge, no occurrence of c.1591C>T in individuals affected with DDX11-related conditions and no experimental evidence demonstrating its impact on protein function have been reported. ClinVar contains an entry for this variant (Variation ID: 3574563). Based on the evidence outlined above, the variant was classified as pathogenic.

Fulgent Genetics
Classification: Likely pathogenic for Warsaw breakage syndrome. Last evaluated: 2024-05-20. Review status: criteria provided, single submitter. Criteria: ACMG Guidelines, 2015. Collection method: clinical testing. Allele origin: germline.

Blueprint Genetics
Classification: Likely pathogenic for DDX11-related disorders. Last evaluated: 2021-03-20. Review status: criteria provided, single submitter. Criteria: ACMG Guidelines, 2015. Collection method: clinical testing. Allele origin: germline. Affected: yes. Observed: 1 variant allele.

NM_030653.4(DDX11):c.1591C>T (p.Gln531Ter)

Gene: DDX11 (DEAD/H-box helicase 11; plus strand). Cytogenetic location: 12p11.21.
Variant type: single nucleotide variant.
Coding change: c.1591C>T on transcript NM_030653.4 (MANE Select); coding-DNA position 1591, C replaced by T.
Protein change: p.Gln531Ter; replaces glutamine 531 with a stop codon.
Molecular consequence: nonsense. On other transcripts: non-coding transcript variant (4).
Genome position (GRCh38, 1-based): chr12:31,096,706, C>T. VCF-style: chr12-31096706-C-T. GRCh37 (hg19) VCF-style: chr12-31249640-C-T.
Other names: c.1591C>T, p.Gln531Ter (NM_001257144.2, NM_001413692.1, NM_001413693.1 and 5 more transcripts); c.1513C>T, p.Gln505Ter (NM_001257145.2, NM_001413697.1, NM_001413698.1 and 1 more transcripts); c.1504C>T, p.Gln502Ter (NM_001413700.1); c.1063C>T, p.Gln355Ter (NM_001413702.1, NM_001413703.1); c.730C>T, p.Gln244Ter (NM_001413704.1, NM_001413705.1); c.625C>T, p.Gln209Ter (NM_001413706.1); short protein forms Q244*, Q355*, Q502*, Q209*, Q531*, Q505*.
Identifiers: ClinVar variation 3574563 (VCV003574563.4).